The following is an entry in ClinVar:

ClinVar aggregate classification (germline): Uncertain significance (1 of 4 stars; one submission).

Conditions:
Distal hereditary motor neuropathy type 2. Identifiers: Orphanet 139525, MedGen C3711384, MeSH C580044, MONDO:0015352.

Allele frequency attached by ClinVar (database versions not stated): ExAC 0.00001; gnomAD exomes 0.00001.
gnomAD v4.1: 11 of 1,583,576 alleles (0.00069%); highest among the groups gnomAD compares: South Asian, 0.0044%; no homozygotes.

Submission:

Labcorp Genetics (formerly Invitae), Labcorp
Classification: Uncertain significance for Distal hereditary motor neuropathy type 2. Last evaluated: 2025-06-09. Review status: criteria provided, single submitter. Criteria: Invitae Variant Classification Sherloc (09022015). Collection method: clinical testing. Allele origin: germline.
Comment: This sequence change replaces arginine, which is basic and polar, with histidine, which is basic and polar, at codon 320 of the FBXO38 protein (p.Arg320His). This variant is present in population databases (rs756850214, gnomAD 0.006%). This variant has not been reported in the literature in individuals affected with FBXO38-related conditions. ClinVar contains an entry for this variant (Variation ID: 1465430). Invitae Evidence Modeling of protein sequence and biophysical properties (such as structural, functional, and spatial information, amino acid conservation, physicochemical variation, residue mobility, and thermodynamic stability) indicates that this missense variant is not expected to disrupt FBXO38 protein function with a negative predictive value of 80%. In summary, the available evidence is currently insufficient to determine the role of this variant in disease. Therefore, it has been classified as a Variant of Uncertain Significance.

NM_205836.3(FBXO38):c.959G>A (p.Arg320His)

Gene: FBXO38 (F-box protein 38; plus strand). Cytogenetic location: 5q32.
Variant type: single nucleotide variant.
Coding change: c.959G>A on transcript NM_205836.3 (MANE Select); coding-DNA position 959, G replaced by A.
Protein change: p.Arg320His; replaces arginine 320 with histidine.
Molecular consequence: missense variant.
Genome position (GRCh38, 1-based): chr5:148,409,214, G>A. VCF-style: chr5-148409214-G-A. GRCh37 (hg19) VCF-style: chr5-147788777-G-A.
Other names: c.959G>A, p.Arg320His (NM_001271723.2, NM_030793.5); short protein forms R320H.
Identifiers: ClinVar variation 1465430 (VCV001465430.8), dbSNP rs756850214, ClinGen allele CA3497153.